The following is an entry in ClinVar:

NM_004369.4(COL6A3):c.768C>T (p.Val256=)

Gene: COL6A3 (collagen type VI alpha 3 chain; minus strand). Cytogenetic location: 2q37.3.
Variant type: single nucleotide variant.
Coding change: c.768C>T on transcript NM_004369.4 (MANE Select); coding-DNA position 768, C replaced by T.
Protein change: p.Val256=; no amino-acid change (valine 256 retained).
Molecular consequence: synonymous variant. On other transcripts: intron variant (2).
Genome position (GRCh38, 1-based): chr2:237,388,126, G>A on the plus strand (C>T on the coding strand, the complement: COL6A3 is on the minus strand). VCF-style: chr2-237388126-G-A. GRCh37 (hg19) VCF-style: chr2-238296769-G-A.
Other names: p.Val256=; c.150C>T, p.Val50= (NM_057165.5, NM_057167.4); c.92-6627C>T (NM_057166.5, NM_057164.5).
Identifiers: ClinVar variation 94995 (VCV000094995.30), dbSNP rs79606264, ClinGen allele CA148044.

ClinVar aggregate classification (germline): Benign. Review status: criteria provided, multiple submitters, no conflicts (2 of 4 stars). 11 submissions from 11 submitters: Benign (7). 4 of the submissions do not count toward it. Last evaluated 2026-02-03.

Conditions:
Collagen 6-related myopathy. Identifiers: MedGen CN117976, MONDO:0100225.
Bethlem myopathy 1A. Also called: Bethlem myopathy 1; Bethlem Muscular Dystrophy; MYOPATHY, BENIGN CONGENITAL, WITH CONTRACTURES. Identifiers: Orphanet 610, MedGen CN029274, MONDO:0024530, OMIM 158810.

Allele frequency attached by ClinVar (database versions not stated): ExAC 0.01487; TOPMed 0.01142; gnomAD 0.01148 and 0.01189; 1000 Genomes Project 30x 0.00984; 1000 Genomes Project 0.01098; ESP Exome Variant Server 0.01146; gnomAD exomes 0.01466.
gnomAD v4.1: 23,408 of 1,614,168 alleles (1.5%); highest among the groups gnomAD compares: Middle Eastern, 4%; 263 homozygotes.

Submissions (11):

Labcorp Genetics (formerly Invitae), Labcorp
Classification: Benign for Bethlem myopathy 1A. Last evaluated: 2026-02-03. Review status: criteria provided, single submitter. Criteria: Invitae Variant Classification Sherloc (09022015). Collection method: clinical testing. Allele origin: germline.

Mayo Clinic Laboratories, Mayo Clinic
Classification: Benign. Last evaluated: 2019-03-22. Review status: criteria provided, single submitter. Criteria: ACMG Guidelines, 2015. Collection method: clinical testing. Allele origin: germline. Observed: 26 variant alleles.

Illumina Laboratory Services, Illumina
Classification: Benign for Collagen VI-related myopathy. Last evaluated: 2018-01-13. Review status: criteria provided, single submitter. Criteria: ICSL Variant Classification Criteria 13 December 2019. Collection method: clinical testing. Allele origin: germline.
Comment: This variant was observed in the ICSL laboratory as part of a predisposition screen in an ostensibly healthy population. It had not been previously curated by ICSL or reported in the Human Gene Mutation Database (HGMD: prior to June 1st, 2018), and was therefore a candidate for classification through an automated scoring system. Utilizing variant allele frequency, disease prevalence and penetrance estimates, and inheritance mode, an automated score was calculated to assess if this variant is too frequent to cause the disease. Based on the score and internal cut-off values, a variant classified as benign is not then subjected to further curation. The score for this variant resulted in a classification of benign for this disease.

GeneDx
Classification: Benign. Last evaluated: 2016-02-18. Review status: criteria provided, single submitter. Criteria: GeneDx Variant Classification (06012015). Collection method: clinical testing. Allele origin: germline. Affected: yes.
Comment: This variant is considered likely benign or benign based on one or more of the following criteria: it is a conservative change, it occurs at a poorly conserved position in the protein, it is predicted to be benign by multiple in silico algorithms, and/or has population frequency not consistent with disease.

Eurofins Ntd Llc (ga)
Classification: Benign. Last evaluated: 2012-10-16. Review status: criteria provided, single submitter. Criteria: EGL Classification Definitions 2015. Collection method: clinical testing. Allele origin: germline. Observed: 5 variant alleles, 5 heterozygotes.

Breakthrough Genomics
Classification: Benign. Review status: criteria provided, single submitter. Criteria: ACMG Guidelines, 2015. Collection method: not provided. Allele origin: germline. Inheritance: Autosomal recessive inheritance. Affected: yes.

PreventionGenetics, part of Exact Sciences
Classification: Benign. Review status: criteria provided, single submitter. Criteria: ACMG Guidelines, 2015. Collection method: clinical testing. Allele origin: germline.

Clinical Genetics, Academic Medical Center
Classification: Benign. Review status: no assertion criteria provided. Collection method: clinical testing. Allele origin: germline. Affected: yes. Study: VKGL Data-share Consensus. Not counted in ClinVar's aggregate classification.

Genetic Services Laboratory, University of Chicago
Classification: Likely benign for AllHighlyPenetrant. Review status: no assertion criteria provided. Collection method: clinical testing. Allele origin: germline. Not counted in ClinVar's aggregate classification.
Comment: Likely benign based on allele frequency in 1000 Genomes Project or ESP global frequency and its presence in a patient with a rare or unrelated disease phenotype. NOT Sanger confirmed.

Joint Genome Diagnostic Labs from Nijmegen and Maastricht, Radboudumc and MUMC+
Classification: Benign. Review status: no assertion criteria provided. Collection method: clinical testing. Allele origin: germline. Affected: yes. Study: VKGL Data-share Consensus. Not counted in ClinVar's aggregate classification.

Laboratory of Diagnostic Genome Analysis, Leiden University Medical Center (LUMC)
Classification: Benign. Review status: no assertion criteria provided. Collection method: clinical testing. Allele origin: germline. Affected: yes. Study: VKGL Data-share Consensus. Not counted in ClinVar's aggregate classification.